The following is an entry in ClinVar:

ClinVar aggregate classification (germline): Uncertain significance. Review status: criteria provided, multiple submitters, no conflicts (2 of 4 stars). 2 submissions from 2 submitters: Uncertain significance (2). Last evaluated 2024-01-25.

Conditions:
Primary ciliary dyskinesia. Also called: Ciliary dyskinesia. Identifiers: Orphanet 244, MedGen C0008780, MONDO:0016575, HP:0012265.

gnomAD v4.1: 3 of 1,612,766 alleles (0.00019%); highest among the groups gnomAD compares: Non-Finnish European, 0.00025%; no homozygotes.

Submissions (2):

Labcorp Genetics (formerly Invitae), Labcorp
Classification: Uncertain significance for Primary ciliary dyskinesia. Last evaluated: 2024-01-25. Review status: criteria provided, single submitter. Criteria: Invitae Variant Classification Sherloc (09022015). Collection method: clinical testing. Allele origin: germline.
Comment: This sequence change replaces threonine, which is neutral and polar, with asparagine, which is neutral and polar, at codon 703 of the DNAAF2 protein (p.Thr703Asn). This variant is not present in population databases (gnomAD no frequency). This variant has not been reported in the literature in individuals affected with DNAAF2-related conditions. ClinVar contains an entry for this variant (Variation ID: 2141539). Advanced modeling of protein sequence and biophysical properties (such as structural, functional, and spatial information, amino acid conservation, physicochemical variation, residue mobility, and thermodynamic stability) has been performed at Invitae for this missense variant, however the output from this modeling did not meet the statistical confidence thresholds required to predict the impact of this variant on DNAAF2 protein function. In summary, the available evidence is currently insufficient to determine the role of this variant in disease. Therefore, it has been classified as a Variant of Uncertain Significance.

Ambry Genetics
Classification: Uncertain significance for Primary ciliary dyskinesia. Last evaluated: 2023-06-02. Review status: criteria provided, single submitter. Criteria: Ambry Variant Classification Scheme 2023. Collection method: clinical testing. Allele origin: germline.

NM_018139.3(DNAAF2):c.2108C>A (p.Thr703Asn)

Gene: DNAAF2 (dynein axonemal assembly factor 2; minus strand). Cytogenetic location: 14q21.3.
Variant type: single nucleotide variant.
Coding change: c.2108C>A on transcript NM_018139.3 (MANE Select); coding-DNA position 2108, C replaced by A.
Protein change: p.Thr703Asn; replaces threonine 703 with asparagine.
Molecular consequence: missense variant. On other transcripts: 5 prime UTR variant (1).
Genome position (GRCh38, 1-based): chr14:49,625,948, G>T on the plus strand (C>A on the coding strand, the complement: DNAAF2 is on the minus strand). VCF-style: chr14-49625948-G-T. GRCh37 (hg19) VCF-style: chr14-50092666-G-T.
Other names: c.2108C>A (NM_018139.2); c.1964C>A, p.Thr655Asn (NM_001083908.2); c.-104C>A (NM_001378453.1); short protein forms T655N, T703N.
Identifiers: ClinVar variation 2141539 (VCV002141539.6), dbSNP rs2502752935, ClinGen allele CA389624152.